The following is an entry in ClinVar:

ClinVar aggregate classification (germline): Conflicting classifications of pathogenicity. Review status: criteria provided, conflicting classifications (1 of 4 stars). 4 submissions from 4 submitters: Uncertain significance (1); Likely benign (2). 1 of the submissions does not count toward it. Last evaluated 2025-12-19.

Conditions:
Aicardi-Goutieres syndrome 2. Identifiers: Orphanet 51, MedGen C3489724, MONDO:0012429, OMIM 610181.
RNASEH2B-related disorder. Also called: RNASEH2B-related condition.

Allele frequency attached by ClinVar (database versions not stated): gnomAD exomes 0.00002; TOPMed 0.00002; ExAC 0.00003.
gnomAD v4.1: 29 of 1,613,732 alleles (0.0018%); highest among the groups gnomAD compares: Middle Eastern, 0.033%; no homozygotes.

Submissions (4):

Labcorp Genetics (formerly Invitae), Labcorp
Classification: Likely benign for Aicardi-Goutieres syndrome 2. Last evaluated: 2025-12-19. Review status: criteria provided, single submitter. Criteria: Invitae Variant Classification Sherloc (09022015). Collection method: clinical testing. Allele origin: germline.

Blueprint Genetics
Classification: Likely benign. Last evaluated: 2021-09-30. Review status: criteria provided, single submitter. Criteria: ACMG Guidelines, 2015. Collection method: clinical testing. Allele origin: germline.

Illumina Laboratory Services, Illumina
Classification: Uncertain significance for Aicardi-Goutieres syndrome 2. Last evaluated: 2018-01-13. Review status: criteria provided, single submitter. Criteria: ICSL Variant Classification Criteria 13 December 2019. Collection method: clinical testing. Allele origin: germline.

PreventionGenetics, part of Exact Sciences
Classification: Likely benign for RNASEH2B-related condition. Last evaluated: 2023-06-06. Review status: no assertion criteria provided. Collection method: clinical testing. Allele origin: germline. Not counted in ClinVar's aggregate classification.
Comment: This variant is classified as likely benign based on ACMG/AMP sequence variant interpretation guidelines (Richards et al. 2015 PMID: 25741868, with internal and published modifications).

NM_024570.4(RNASEH2B):c.360C>T (p.Asn120=)

Gene: RNASEH2B (ribonuclease H2 subunit B; plus strand). Cytogenetic location: 13q14.3.
Variant type: single nucleotide variant.
Coding change: c.360C>T on transcript NM_024570.4 (MANE Select); coding-DNA position 360, C replaced by T.
Protein change: p.Asn120=; no amino-acid change (asparagine 120 retained).
Molecular consequence: synonymous variant.
Genome position (GRCh38, 1-based): chr13:50,934,923, C>T. VCF-style: chr13-50934923-C-T. GRCh37 (hg19) VCF-style: chr13-51509059-C-T.
Other names: c.360C>T, p.Asn120= (NM_001142279.2).
Identifiers: ClinVar variation 762288 (VCV000762288.17), dbSNP rs759273327, ClinGen allele CA6985549.